The following is an entry in ClinVar:

NM_019098.5(CNGB3):c.874A>T (p.Lys292Ter)

Gene: CNGB3 (cyclic nucleotide gated channel subunit beta 3; minus strand). Cytogenetic location: 8q21.3.
Variant type: single nucleotide variant.
Coding change: c.874A>T on transcript NM_019098.5 (MANE Select); coding-DNA position 874, A replaced by T.
Protein change: p.Lys292Ter; replaces lysine 292 with a stop codon.
Molecular consequence: nonsense.
Genome position (GRCh38, 1-based): chr8:86,654,041, T>A on the plus strand (A>T on the coding strand, the complement: CNGB3 is on the minus strand). VCF-style: chr8-86654041-T-A. GRCh37 (hg19) VCF-style: chr8-87666269-T-A.
Other names: short protein forms K292*.
Identifiers: ClinVar variation 1726894 (VCV001726894.2), dbSNP rs2538108657, ClinGen allele CA371448466.

ClinVar aggregate classification (germline): Likely pathogenic (1 of 4 stars; one submission).

Conditions:
Achromatopsia 3 (ACHM3). Also called: PINGELAPESE BLINDNESS; TOTAL COLORBLINDNESS WITH MYOPIA; ROD MONOCHROMACY 1; ROD MONOCHROMATISM 1; ACHROMATOPSIA WITH MYOPIA. Identifiers: Orphanet 49382, MedGen C1849792, MONDO:0009875, OMIM 262300.

Submission:

Myriad Genetics, Inc.
Classification: Likely pathogenic for Achromatopsia 3. Last evaluated: 2022-01-02. Review status: criteria provided, single submitter. Criteria: Myriad Women's Health Autosomal Recessive and X-Linked Classification Criteria (2021). Collection method: clinical testing. Allele origin: unknown.
Comment: NM_019098.4(CNGB3):c.874A>T(K292*) is expected to be pathogenic in the context of CNGB3-related achromatopsia. This variant is predicted to lead to an abnormal or absent protein product due to the creation of a premature termination codon in CNGB3, a gene where loss-of-function variants are known to be pathogenic. Please note: this variant was assessed in the context of healthy population screening.